The following is an entry in ClinVar:

ClinVar aggregate classification (germline): Uncertain significance (1 of 4 stars; one submission).

Submission:

GeneDx
Classification: Uncertain significance. Last evaluated: 2017-06-13. Review status: criteria provided, single submitter. Criteria: GeneDx Variant Classification (06012015). Collection method: clinical testing. Allele origin: germline. Affected: yes.
Comment: A variant of uncertain significance has been identified in the TSEN2 gene. The E302Q variant has not been published as a pathogenic variant, nor has it been reported as a benign variant to our knowledge. The E302Q variant is not observed in large population cohorts (Lek et al., 2016; 1000 Genomes Consortium et al., 2015; Exome Variant Server). The E302Q variant is a semi-conservative amino acid substitution, which may impact secondary protein structure as these residues differ in some properties. This substitution occurs at a position that is conserved in mammals and in silico analysis predicts this variant is probably damaging to the protein structure/function. Based on the currently available information, it is unclear whether this variant is a pathogenic variant or a rare benign variant.

NM_025265.4(TSEN2):c.904G>C (p.Glu302Gln)

Gene: TSEN2 (tRNA splicing endonuclease subunit 2; plus strand). Cytogenetic location: 3p25.2.
Variant type: single nucleotide variant.
Coding change: c.904G>C on transcript NM_025265.4 (MANE Select); coding-DNA position 904, G replaced by C.
Protein change: p.Glu302Gln; replaces glutamic acid 302 with glutamine.
Molecular consequence: missense variant. On other transcripts: non-coding transcript variant (1), intron variant (2).
Genome position (GRCh38, 1-based): chr3:12,505,226, G>C. VCF-style: chr3-12505226-G-C. GRCh37 (hg19) VCF-style: chr3-12546725-G-C.
Other names: c.904G>C, p.Glu302Gln (NM_001145392.2, NM_001321277.2, NM_001321278.2); c.727G>C, p.Glu243Gln (NM_001145394.2); c.831+1442G>C (NM_001321279.2, NM_001145393.3); short protein forms E243Q, E302Q.
Identifiers: ClinVar variation 432574 (VCV000432574.2), dbSNP rs1553587071, ClinGen allele CA351473214.